The following is an entry in ClinVar:

ClinVar aggregate classification (germline): Uncertain significance. Review status: criteria provided, multiple submitters, no conflicts (2 of 4 stars). 2 submissions from 2 submitters: Uncertain significance (2). Last evaluated 2024-05-15.

Allele frequency attached by ClinVar (database versions not stated): gnomAD exomes 0.00001; TOPMed 0.00006; ESP Exome Variant Server 0.00008.
gnomAD v4.1: 15 of 1,611,878 alleles (0.00093%); highest among the groups gnomAD compares: East Asian, 0.013%; no homozygotes.

Submissions (2):

Labcorp Genetics (formerly Invitae), Labcorp
Classification: Uncertain significance. Last evaluated: 2024-05-15. Review status: criteria provided, single submitter. Criteria: Invitae Variant Classification Sherloc (09022015). Collection method: clinical testing. Allele origin: germline.
Comment: This sequence change replaces arginine, which is basic and polar, with cysteine, which is neutral and slightly polar, at codon 33 of the TGM6 protein (p.Arg33Cys). This variant is not present in population databases (gnomAD no frequency). This variant has not been reported in the literature in individuals affected with TGM6-related conditions. ClinVar contains an entry for this variant (Variation ID: 586830). Advanced modeling of protein sequence and biophysical properties (such as structural, functional, and spatial information, amino acid conservation, physicochemical variation, residue mobility, and thermodynamic stability) performed at Invitae indicates that this missense variant is expected to disrupt TGM6 protein function with a positive predictive value of 80%. In summary, the available evidence is currently insufficient to determine the role of this variant in disease. Therefore, it has been classified as a Variant of Uncertain Significance.

Athena Diagnostics
Classification: Uncertain significance. Last evaluated: 2017-09-05. Review status: criteria provided, single submitter. Criteria: Athena Diagnostics Criteria. Collection method: clinical testing. Allele origin: germline.

NM_198994.3(TGM6):c.97C>T (p.Arg33Cys)

Gene: TGM6 (transglutaminase 6; plus strand). Cytogenetic location: 20p13.
Variant type: single nucleotide variant.
Coding change: c.97C>T on transcript NM_198994.3 (MANE Select); coding-DNA position 97, C replaced by T.
Protein change: p.Arg33Cys; replaces arginine 33 with cysteine.
Molecular consequence: missense variant.
Genome position (GRCh38, 1-based): chr20:2,394,541, C>T. VCF-style: chr20-2394541-C-T. GRCh37 (hg19) VCF-style: chr20-2375187-C-T.
Other names: c.97C>T, p.Arg33Cys (NM_001254734.2); short protein forms R33C.
Identifiers: ClinVar variation 586830 (VCV000586830.5), dbSNP rs147548610, ClinGen allele CA310834700.